The following is an entry in ClinVar:

NM_000071.3(CBS):c.1539C>G (p.His513Gln)

Gene: CBS (cystathionine beta-synthase; minus strand). Cytogenetic location: 21q22.3.
Variant type: single nucleotide variant.
Coding change: c.1539C>G on transcript NM_000071.3 (MANE Select); coding-DNA position 1539, C replaced by G.
Protein change: p.His513Gln; replaces histidine 513 with glutamine.
Molecular consequence: missense variant.
Genome position (GRCh38, 1-based): chr21:43,056,816, G>C on the plus strand (C>G on the coding strand, the complement: CBS is on the minus strand). VCF-style: chr21-43056816-G-C. GRCh37 (hg19) VCF-style: chr21-44476926-G-C.
Other names: c.1539C>G, p.His513Gln (NM_001178008.3, NM_001178009.3, NM_001320298.2); c.1224C>G, p.His408Gln (NM_001321072.1); short protein forms H513Q, H408Q.
Identifiers: ClinVar variation 393133 (VCV000393133.2), dbSNP rs187828882, ClinGen allele CA16608554.

ClinVar aggregate classification (germline): Uncertain significance (1 of 4 stars; one submission).

Submission:

GeneDx
Classification: Uncertain significance. Last evaluated: 2017-01-25. Review status: criteria provided, single submitter. Criteria: GeneDx Variant Classification (06012015). Collection method: clinical testing. Allele origin: germline. Affected: yes.
Comment: A variant of uncertain significance has been identified in the CBS gene. The H513Q variant has not been published as pathogenic or been reported as benign to our knowledge. H513Q is not observed in large population cohorts (Lek et al., 2016; 1000 Genomes Consortium et al., 2015; Exome Variant Server). The H513Q variant is a semi-conservative amino acid substitution, which may impact secondary protein structure as these residues differ in some properties. Moreover, this substitution occurs at a position that is conserved across species, and in silico analysis predicts this variant is probably damaging to the protein structure/function. Nevertheless, no pathogenic missense variants in nearby residues have been reported in the Human Gene Mutation Database (Stenson et al., 2014), indicating that this region of the gene is not known to harbor disease-causing variants.